The following is an entry in ClinVar:

NM_015972.4(POLR1D):c.170dup (p.Tyr57Ter)

Genes: POLR1D (RNA polymerase I and III subunit D; plus strand), LOC147380392 (uncharacterized LOC147380392; plus strand). Cytogenetic location: 13q12.2.
Variant type: Duplication.
Coding change: c.170dup on transcript NM_015972.4 (MANE Select); coding-DNA position 170, one base duplicated (A; older notation c.170dupA).
Protein change: p.Tyr57Ter; replaces tyrosine 57 with a stop codon.
Molecular consequence: nonsense. On other transcripts: intron variant (2).
Genome position (GRCh38, 1-based): chr13:27,623,018, A duplicated. VCF-style (leftmost placement, unchanged base first): chr13-27623017-T-TA. GRCh37 (hg19) VCF-style: chr13-28197154-T-TA.
Other names: c.-59+1878dup (NM_001206559.2); c.26+1009dup (NM_152705.3); c.170dupA (NM_015972.3); short protein forms Y57*.
Identifiers: ClinVar variation 546551 (VCV000546551.2), dbSNP rs1555271308, ClinGen allele CA658823754.
Genomic context (GRCh38, chr13:27,623,017, plus strand): 5'-AGACACTGTGTGACATTTGTATTGCACGAGGAAGACCATACCCTAGGAAATTCTCTACGT[T>TA]ACATGATCATGAAGAACCCGGAAGTGGAATTTTGTGGTTACACTACGACCCATCCTTCAG-3'

ClinVar aggregate classification (germline): Pathogenic (1 of 4 stars; one submission).

Submission:

GeneDx
Classification: Pathogenic. Last evaluated: 2018-05-30. Review status: criteria provided, single submitter. Criteria: GeneDx Variant Classification (06012015). Collection method: clinical testing. Allele origin: germline. Affected: yes.
Comment: The c.170dupA variant in the POLR1D gene has not been reported previously as a pathogenic variant nor as a benign variant, to our knowledge. The c.170dupA variant creates a premature Stop codon at Tyrosine 57, denoted p.Tyr57Ter. This variant is predicted to cause loss of normal protein function through protein truncation. The c.170dupA variant is not observed in large population cohorts (Lek et al., 2016). We interpret c.170dupA as a pathogenic variant.